The following is an entry in ClinVar:

NM_007289.4(MME):c.312C>T (p.Tyr104=)

Gene: MME (membrane metalloendopeptidase; plus strand). Cytogenetic location: 3q25.2.
Variant type: single nucleotide variant.
Coding change: c.312C>T on transcript NM_007289.4 (MANE Select); coding-DNA position 312, C replaced by T.
Protein change: p.Tyr104=; no amino-acid change (tyrosine 104 retained).
Molecular consequence: synonymous variant.
Genome position (GRCh38, 1-based): chr3:155,115,109, C>T. VCF-style: chr3-155115109-C-T. GRCh37 (hg19) VCF-style: chr3-154832898-C-T.
Other names: c.312C>T, p.Tyr104= (NM_000902.5, NM_001354642.2, NM_001354643.1 and 2 more transcripts).
Identifiers: ClinVar variation 2158708 (VCV002158708.10), dbSNP rs202011191, ClinGen allele CA2675103.

ClinVar aggregate classification (germline): Benign/Likely benign. Review status: criteria provided, multiple submitters, no conflicts (2 of 4 stars). 2 submissions from 2 submitters: Benign (1); Likely benign (1). Last evaluated 2025-11-01.

Allele frequency attached by ClinVar (database versions not stated): TOPMed 0.00002; gnomAD 0.00010; gnomAD exomes 0.00015; ExAC 0.00034; 1000 Genomes Project 0.00040; 1000 Genomes Project 30x 0.00047.
gnomAD v4.1: 232 of 1,614,046 alleles (0.014%); highest among the groups gnomAD compares: South Asian, 0.2%; no homozygotes.

Submissions (2):

CeGaT Center for Human Genetics Tuebingen
Classification: Likely benign. Last evaluated: 2025-11-01. Review status: criteria provided, single submitter. Criteria: CeGaT Center For Human Genetics Tuebingen Variant Classification Criteria Version 2. Collection method: clinical testing. Allele origin: germline. Affected: yes. Observed: 1 variant allele.
Comment: MME: BP4, BP7

Labcorp Genetics (formerly Invitae), Labcorp
Classification: Benign. Last evaluated: 2025-09-07. Review status: criteria provided, single submitter. Criteria: Invitae Variant Classification Sherloc (09022015). Collection method: clinical testing. Allele origin: germline.